The following is an entry in ClinVar:

ClinVar aggregate classification (germline): Uncertain significance (1 of 4 stars; one submission).

Conditions:
GM3 synthase deficiency (SPDRS). Also called: SALT AND PEPPER MENTAL RETARDATION SYNDROME; SALT AND PEPPER DEVELOPMENTAL REGRESSION SYNDROME; AMISH INFANTILE EPILEPSY SYNDROME. Identifiers: Orphanet 171714, Orphanet 370933, MedGen C1836824, MONDO:0018274, OMIM 609056.

Allele frequency attached by ClinVar (database versions not stated): ExAC 0.00001; gnomAD 0.00002; TOPMed 0.00002; gnomAD exomes 0.00003; 1000 Genomes Project 30x 0.00016.

Submission:

Labcorp Genetics (formerly Invitae), Labcorp
Classification: Uncertain significance for GM3 synthase deficiency. Last evaluated: 2022-03-13. Review status: criteria provided, single submitter. Criteria: Invitae Variant Classification Sherloc (09022015). Collection method: clinical testing. Allele origin: germline.
Comment: This sequence change replaces arginine, which is basic and polar, with tryptophan, which is neutral and slightly polar, at codon 193 of the ST3GAL5 protein (p.Arg193Trp). This variant is present in population databases (rs72842068, gnomAD 0.004%). This variant has not been reported in the literature in individuals affected with ST3GAL5-related conditions. Algorithms developed to predict the effect of missense changes on protein structure and function (SIFT, PolyPhen-2, Align-GVGD) all suggest that this variant is likely to be disruptive. In summary, the available evidence is currently insufficient to determine the role of this variant in disease. Therefore, it has been classified as a Variant of Uncertain Significance.

NM_003896.4(ST3GAL5):c.577C>T (p.Arg193Trp)

Gene: ST3GAL5 (ST3 beta-galactoside alpha-2,3-sialyltransferase 5; minus strand). Cytogenetic location: 2p11.2.
Variant type: single nucleotide variant.
Coding change: c.577C>T on transcript NM_003896.4 (MANE Select); coding-DNA position 577, C replaced by T.
Protein change: p.Arg193Trp; replaces arginine 193 with tryptophan.
Molecular consequence: missense variant. On other transcripts: 5 prime UTR variant (1).
Genome position (GRCh38, 1-based): chr2:85,847,946, G>A on the plus strand (C>T on the coding strand, the complement: ST3GAL5 is on the minus strand). VCF-style: chr2-85847946-G-A. GRCh37 (hg19) VCF-style: chr2-86075069-G-A.
Other names: c.508C>T, p.Arg170Trp (NM_001042437.2); c.193C>T, p.Arg65Trp (NM_001354223.2, NM_001354224.2, NM_001354226.2 and 3 more transcripts); c.493C>T, p.Arg165Trp (NM_001354227.2, NM_001354229.2, NM_001354238.1); c.-328C>T (NM_001354247.1); c.577C>T, p.Arg193Trp (NM_001363847.1); short protein forms R165W, R170W, R65W, R193W.
Identifiers: ClinVar variation 2152921 (VCV002152921.1), dbSNP rs72842068, ClinGen allele CA1745020.